The following is an entry in ClinVar:

NM_004655.4(AXIN2):c.838G>A (p.Val280Ile)

Gene: AXIN2 (axin 2; minus strand). Cytogenetic location: 17q24.1.
Variant type: single nucleotide variant.
Coding change: c.838G>A on transcript NM_004655.4 (MANE Select); coding-DNA position 838, G replaced by A.
Protein change: p.Val280Ile; replaces valine 280 with isoleucine.
Molecular consequence: missense variant.
Genome position (GRCh38, 1-based): chr17:65,549,638, C>T on the plus strand (G>A on the coding strand, the complement: AXIN2 is on the minus strand). VCF-style: chr17-65549638-C-T. GRCh37 (hg19) VCF-style: chr17-63545756-C-T.
Other names: c.838G>A, p.Val280Ile (NM_001363813.1); short protein forms V280I.
Identifiers: ClinVar variation 4867318 (VCV004867318.1).

ClinVar aggregate classification (germline): Uncertain significance (1 of 4 stars; one submission).

Conditions:
Hereditary cancer-predisposing syndrome. Also called: Neoplastic Syndromes, Hereditary; Tumor predisposition; Hereditary Cancer Syndrome; Hereditary neoplastic syndrome. Identifiers: Orphanet 140162, MedGen C0027672, MeSH D009386, MONDO:0015356.

gnomAD v4.1: 1 of 1,602,624 alleles (0.000062%); highest among the groups gnomAD compares: South Asian, 0.0011%; no homozygotes.

Submission:

Ambry Genetics
Classification: Uncertain significance for Hereditary cancer-predisposing syndrome. Last evaluated: 2026-06-06. Review status: criteria provided, single submitter. Criteria: Ambry Variant Classification Scheme 2023. Collection method: clinical testing. Allele origin: germline.
Comment: The p.V280I variant (also known as c.838G>A), located in coding exon 2 of the AXIN2 gene, results from a G to A substitution at nucleotide position 838. The valine at codon 280 is replaced by isoleucine, an amino acid with highly similar properties. This amino acid position is conserved. In addition, this alteration is predicted to be tolerated by in silico analysis. Based on the available evidence, the clinical significance of this variant remains unclear.